The following is an entry in ClinVar:

NM_020738.4(KIDINS220):c.15A>G (p.Ile5Met)

Gene: KIDINS220 (kinase D interacting substrate 220; minus strand). Cytogenetic location: 2p25.1.
Variant type: single nucleotide variant.
Coding change: c.15A>G on transcript NM_020738.4 (MANE Select); coding-DNA position 15, A replaced by G.
Protein change: p.Ile5Met; replaces isoleucine 5 with methionine.
Molecular consequence: missense variant. On other transcripts: 5 prime UTR variant (1), non-coding transcript variant (2).
Genome position (GRCh38, 1-based): chr2:8,827,079, T>C on the plus strand (A>G on the coding strand, the complement: KIDINS220 is on the minus strand). VCF-style: chr2-8827079-T-C. GRCh37 (hg19) VCF-style: chr2-8967209-T-C.
Other names: c.15A>G (NM_020738.2); c.15A>G, p.Ile5Met (NM_001348729.2, NM_001348731.2, NM_001348732.2 and 9 more transcripts); c.-283A>G (NM_001348736.2); short protein forms I5M.
Identifiers: ClinVar variation 4766270 (VCV004766270.2).

ClinVar aggregate classification (germline): Uncertain significance. Review status: criteria provided, multiple submitters, no conflicts (2 of 4 stars). 2 submissions from 2 submitters: Uncertain significance (2). Last evaluated 2026-08-19.

Conditions:
KIDINS220-related disorder. Also called: KIDINS220-related condition.

Submissions (2):

PreventionGenetics, part of Exact Sciences
Classification: Uncertain significance for KIDINS220-related condition. Last evaluated: 2026-08-19. Review status: criteria provided, single submitter. Criteria: ACMG Guidelines, 2015. Collection method: clinical testing. Allele origin: germline.
Comment: The KIDINS220 c.15A>G variant is predicted to result in the amino acid substitution p.Ile5Met. To our knowledge, this variant has not been reported in the literature or in a large population database (gnomAD), indicating this variant is rare. At this time, the clinical significance of this variant is uncertain due to the absence of conclusive functional and genetic evidence.

Labcorp Genetics (formerly Invitae), Labcorp
Classification: Uncertain significance. Last evaluated: 2025-09-09. Review status: criteria provided, single submitter. Criteria: Invitae Variant Classification Sherloc (09022015). Collection method: clinical testing. Allele origin: germline.
Comment: This sequence change replaces isoleucine, which is neutral and non-polar, with methionine, which is neutral and non-polar, at codon 5 of the KIDINS220 protein (p.Ile5Met). This variant is not present in population databases (gnomAD no frequency). This variant has not been reported in the literature in individuals affected with KIDINS220-related conditions. An algorithm developed to predict the effect of missense changes on protein structure and function (PolyPhen-2) suggests that this variant is likely to be tolerated. In summary, the available evidence is currently insufficient to determine the role of this variant in disease. Therefore, it has been classified as a Variant of Uncertain Significance.